The following is an entry in ClinVar:

ClinVar aggregate classification (germline): Likely pathogenic (1 of 4 stars; one submission).

Conditions:
Carnitine palmitoyl transferase 1A deficiency. Also called: CPT I DEFICIENCY; CPT DEFICIENCY, HEPATIC, TYPE I; Carnitine palmitoyltransferase type I deficiency; CPT deficiency, hepatic, type IA; Carnitine palmitoyltransferase 1A deficiency. Identifiers: Orphanet 156, MedGen C1829703, MONDO:0009705, OMIM 255120.

Submission:

Myriad Genetics, Inc.
Classification: Likely pathogenic for Carnitine palmitoyl transferase 1A deficiency. Last evaluated: 2022-01-14. Review status: criteria provided, single submitter. Criteria: Myriad Women's Health Autosomal Recessive and X-Linked Classification Criteria (2021). Collection method: clinical testing. Allele origin: unknown.
Comment: NM_001876.3(CPT1A):c.416_417ins8(E139Dfs*8) is expected to be pathogenic in the context of carnitine palmitoyltransferase IA deficiency. This variant is predicted to lead to an abnormal or absent protein product due to the creation of a premature termination codon in CPT1A, a gene where loss-of-function variants are known to be pathogenic. Please note: this variant was assessed in the context of healthy population screening.

NM_001876.4(CPT1A):c.416_417insTCTTGGTG (p.Glu139fs)

Gene: CPT1A (carnitine palmitoyltransferase 1A; minus strand). Cytogenetic location: 11q13.3.
Variant type: Insertion.
Coding change: c.416_417insTCTTGGTG on transcript NM_001876.4 (MANE Select); coding-DNA positions 416 to 417, TCTTGGTG inserted.
Protein change: p.Glu139fs; shifts the reading frame from glutamic acid 139.
Molecular consequence: frameshift variant.
Genome position: GRCh38 VCF-style: chr11-68807503-C-CCACCAAGA. GRCh37 (hg19) VCF-style: chr11-68574971-C-CCACCAAGA.
Other names: c.416_417insTCTTGGTG, p.Glu139fs (NM_001031847.3); short protein forms E139fs.
Identifiers: ClinVar variation 1723940 (VCV001723940.2), dbSNP rs2495662923, ClinGen allele CA2580084755.
Genomic context (GRCh38, chr11:68,807,503, plus strand): 5'-ACAGCCAGAGGGACACGCAATTACCATCCAGATCTTGGTGGCACGACTCATCTTGCCGTG[C>CCACCAAGA]TCAGTGAACATCCACCCGTGGTAGGAGAGCAGCACTTTCAGGGAGTAGCGCATGGTGACG-3'